The following is an entry in ClinVar:

ClinVar aggregate classification (germline): Uncertain significance. Review status: criteria provided, single submitter (1 of 4 stars). 2 submissions from 2 submitters: Uncertain significance (1). 1 of the submissions does not count toward it. Last evaluated 2025-08-03.

Conditions:
FSIP2-related disorder. Also called: FSIP2-related condition.

Allele frequency attached by ClinVar (database versions not stated): gnomAD exomes 0.00016; ExAC 0.00047; 1000 Genomes Project 30x 0.00078; 1000 Genomes Project 0.00100; ESP Exome Variant Server 0.00127; gnomAD 0.00171; TOPMed 0.00175.
gnomAD v4.1: 494 of 1,604,116 alleles (0.031%); highest among the groups gnomAD compares: African/African-American, 0.59%; 3 homozygotes.

Submissions (2):

Ambry Genetics
Classification: Uncertain significance. Last evaluated: 2025-08-03. Review status: criteria provided, single submitter. Criteria: Ambry Variant Classification Scheme 2023. Collection method: clinical testing. Allele origin: germline.

PreventionGenetics, part of Exact Sciences
Classification: Likely benign for FSIP2-related condition. Last evaluated: 2019-10-28. Review status: no assertion criteria provided. Collection method: clinical testing. Allele origin: germline. Not counted in ClinVar's aggregate classification.
Comment: This variant is classified as likely benign based on ACMG/AMP sequence variant interpretation guidelines (Richards et al. 2015 PMID: 25741868, with internal and published modifications).

NM_173651.4(FSIP2):c.17185G>A (p.Val5729Ile)

Gene: FSIP2 (fibrous sheath interacting protein 2; plus strand). Cytogenetic location: 2q32.1.
Variant type: single nucleotide variant.
Coding change: c.17185G>A on transcript NM_173651.4 (MANE Select); coding-DNA position 17185, G replaced by A.
Protein change: p.Val5729Ile; replaces valine 5729 with isoleucine.
Molecular consequence: missense variant.
Genome position (GRCh38, 1-based): chr2:185,806,491, G>A. VCF-style: chr2-185806491-G-A. GRCh37 (hg19) VCF-style: chr2-186671218-G-A.
Other names: c.17452G>A (NM_173651.2); short protein forms V5729I.
Identifiers: ClinVar variation 3040203 (VCV003040203.3), dbSNP rs200358885, ClinGen allele CA2017364.